The following is an entry in ClinVar:

NM_005188.4(CBL):c.1096-1G>T

Gene: CBL (Cbl proto-oncogene; plus strand). Cytogenetic location: 11q23.3.
Variant type: single nucleotide variant.
Coding change: c.1096-1G>T on transcript NM_005188.4 (MANE Select); the canonical splice acceptor site of the intron before coding-DNA position 1096, G replaced by T.
Molecular consequence: splice acceptor variant.
Genome position (GRCh38, 1-based): chr11:119,278,165, G>T. VCF-style: chr11-119278165-G-T. GRCh37 (hg19) VCF-style: chr11-119148875-G-T.
Identifiers: ClinVar variation 180815 (VCV000180815.18), dbSNP rs397517076, ClinGen allele CA295986.
Genomic context (GRCh38, chr11:119,278,165, plus strand): 5'-TAACATTTATAATTGCAGTTATTTATTCAACTAATAGTCTTTTAATTTTTTTTAATCAAA[G>T]GAACAATATGAATTATACTGTGAGATGGGCTCCACATTCCAACTATGTAAAATATGTGCT-3'

ClinVar aggregate classification (germline): Pathogenic. Review status: criteria provided, multiple submitters, no conflicts (2 of 4 stars). 5 submissions from 5 submitters: Pathogenic (5). Last evaluated 2025-07-13.

Conditions:
CBL-related disorder. Also called: NOONAN SYNDROME-LIKE DISORDER WITHOUT JUVENILE MYELOMONOCYTIC LEUKEMIA; CBL MUTATION-ASSOCIATED SYNDROME; CBL SYNDROME. Identifiers: Orphanet 363972, MedGen C3150803, MONDO:0013308, OMIM 613563.
Fragile site 11b (FRA11B). Identifiers: MedGen CN296118, OMIM 600651.
Cardiovascular phenotype. Identifiers: MedGen CN230736.
RASopathy. Also called: Noonan spectrum disorder; rasopathies. Identifiers: Orphanet 536391, MedGen C5555857, MONDO:0021060.
Noonan syndrome (NS). Also called: Noonan's syndrome. Identifiers: Orphanet 648, MedGen C0028326, MeSH D009634, MONDO:0018997. Disease mechanism: gain of function.

Allele frequency attached by ClinVar (database versions not stated): TOPMed below 0.00001; gnomAD 0.00001.

Submissions (6):

Labcorp Genetics (formerly Invitae), Labcorp
Classification: Pathogenic for RASopathy. Last evaluated: 2025-07-13. Review status: criteria provided, single submitter. Criteria: Invitae Variant Classification Sherloc (09022015). Collection method: clinical testing. Allele origin: germline.
Comment: This sequence change affects an acceptor splice site in intron 7 of the CBL gene. It is expected to disrupt RNA splicing. Variants that disrupt the donor or acceptor splice site typically lead to a loss of protein function (PMID: 16199547), however the current clinical and genetic evidence is not sufficient to establish whether loss-of-function variants in CBL cause disease. This variant is not present in population databases (gnomAD no frequency). Disruption of this splice site has been observed in individual(s) with clinical features of Noonan syndrome (internal data). In at least one individual the variant was observed to be de novo. ClinVar contains an entry for this variant (Variation ID: 180815). Algorithms developed to predict the effect of sequence changes on RNA splicing suggest that this variant may disrupt the consensus splice site. For these reasons, this variant has been classified as Pathogenic.

Ambry Genetics
Classification: Pathogenic for Cardiovascular phenotype. Last evaluated: 2025-05-06. Review status: criteria provided, single submitter. Criteria: Ambry Variant Classification Scheme 2023. Collection method: clinical testing. Allele origin: germline.
Comment: The c.1096-1G>T intronic variant results from a G to T substitution one nucleotide before coding exon 8 of the CBL gene. Alterations that disrupt the canonical splice site are expected to result in aberrant splicing; however, a resulting transcript is predicted to be in-frame and is not expected to trigger nonsense-mediated mRNAdecay. Loss of function of CBL has not been established as a mechanism of disease. This variant was not reported in population-based cohorts in the Genome Aggregation Database (gnomAD). This variant was determined to be de novo in at least one individual with features consistent with CBL-related RASopathy (B&uuml;low, 2015; Martinelli, 2015; Seaby, 2017). Other variants impacting the same acceptor site (c.1096-1G>C, c.1096-4_1096-1del) have been identified in individual(s) with features consistent with CBL-related RASopathy (Niemeyer, 2010; Martinelli, 2015). This nucleotide position is highly conserved in available vertebrate species. A minigene assay has demonstrated that this alteration results in skipping of exon 8 (Martinelli, 2015). In silico splice site analysis predicts that this alteration will weaken the native splice acceptor site. Based on the available evidence, this alteration is classified as pathogenic.

Genomic Medicine Center of Excellence, King Faisal Specialist Hospital and Research Centre
Classification: Pathogenic for CBL-related disorder. Last evaluated: 2024-03-25. Review status: criteria provided, single submitter. Criteria: ACMG Guidelines, 2015. Collection method: clinical testing. Allele origin: germline.

GeneDx
Classification: Pathogenic. Last evaluated: 2023-11-05. Review status: criteria provided, single submitter. Criteria: GeneDx Variant Classification Process June 2021. Collection method: clinical testing. Allele origin: germline. Affected: yes.
Comment: Not observed at significant frequency in large population cohorts (gnomAD); Canonical splice site variant in a gene or region of a gene for which loss of function is not a well-established mechanism of disease; This variant is associated with the following publications: (PMID: 20694012, 25358541, 26796102, 25952305, 20595524, 23823657, 28589114, 34345822, 30417923, 31935506, 20619386, 22315494, 25533962)

Laboratory for Molecular Medicine, Mass General Brigham Personalized Medicine
Classification: Pathogenic for Noonan syndrome. Last evaluated: 2016-01-26. Review status: criteria provided, single submitter. Criteria: LMM Criteria. Collection method: clinical testing. Allele origin: germline. Inheritance: Autosomal dominant inheritance. Observed: 1 variant allele.
Comment: The c.1096-1G>T variant in CBL has been previously reported in as a de novo, con stitutional (germline) variant in 2 individuals with a RASopathy disorder and a somatic variant in 1 individual with JMML (Matsuda 2010, Bulow 2015, Martinelli 2015). It was absent from large population studies. This variant occurs in the invariant region (+/- 1,2) of the splice consensus sequence and is predicted to cause altered splicing leading to an abnormal or absent protein. Three additiona l disease-causing variants affecting the same position (c.1096-1G>C, c.1096-1del GG, and c.1096-1delGAAA) have been previously reported in individuals with clini cal features of Noonan syndrome (Niemeyer 2010, Strullu 2013, Bulow 2015, Martin elli 2015). In vitro studies provide some evidence for exon 8 skipping for the c .1096-1G>T variant (Martinelli 2015). In summary, this variant meets our criteri a to be classified as pathogenic for Noonan syndrome in an autosomal dominant ma nner based upon de novo occurrences, absence from controls, and functional evide nce.

Dr. Peter K. Rogan Lab, Western University
No classification provided (evidence only). Condition: Glioma susceptibility 1. Review status: no classification provided. Collection method: in vitro. Allele origin: not applicable. Functional consequence: skipped exon, retained intron. Not counted in ClinVar's aggregate classification.

Literature cited by the submitters: PubMed 16199547 (cited by Labcorp Genetics (formerly Invitae), Labcorp); PubMed 20694012 (cited by Ambry Genetics and Laboratory for Molecular Medicine, Mass General Brigham Personalized Medicine); PubMed 25358541 (cited by Ambry Genetics and Laboratory for Molecular Medicine, Mass General Brigham Personalized Medicine); PubMed 25952305 (cited by Ambry Genetics and Laboratory for Molecular Medicine, Mass General Brigham Personalized Medicine); PubMed 28589114 (cited by Ambry Genetics); PubMed 20595524 (cited by Laboratory for Molecular Medicine, Mass General Brigham Personalized Medicine); PubMed 23823657 (cited by Laboratory for Molecular Medicine, Mass General Brigham Personalized Medicine).